The following is an entry in ClinVar:

NM_025114.4(CEP290):c.2344G>T (p.Glu782Ter)

Gene: CEP290 (centrosomal protein 290; minus strand). Cytogenetic location: 12q21.32.
Variant type: single nucleotide variant.
Coding change: c.2344G>T on transcript NM_025114.4 (MANE Select); coding-DNA position 2344, G replaced by T.
Protein change: p.Glu782Ter; replaces glutamic acid 782 with a stop codon.
Molecular consequence: nonsense.
Genome position (GRCh38, 1-based): chr12:88,111,225, C>A on the plus strand (G>T on the coding strand, the complement: CEP290 is on the minus strand). VCF-style: chr12-88111225-C-A. GRCh37 (hg19) VCF-style: chr12-88505002-C-A.
Other names: short protein forms E782*.
Identifiers: ClinVar variation 5005198 (VCV005005198.2).

ClinVar aggregate classification (germline): Likely pathogenic (1 of 4 stars; one submission).

Conditions:
Senior-Loken syndrome 6 (SLSN6). Identifiers: Orphanet 3156, MedGen C1857779, MONDO:0012433, OMIM 610189.
Meckel syndrome, type 4 (MKS4). Also called: MECKEL-GRUBER SYNDROME, TYPE 4. Identifiers: Orphanet 564, MedGen C1970161, MONDO:0012626, OMIM 611134.
Joubert syndrome 5 (JBTS5). Identifiers: Orphanet 2318, MedGen C1857780, MONDO:0012432, OMIM 610188.
Bardet-Biedl syndrome 14 (BBS14). Identifiers: Orphanet 110, MedGen C2673874, MONDO:0014442, OMIM 615991.
Leber congenital amaurosis 10 (LCA10). Identifiers: Orphanet 65, MedGen C1857821, MONDO:0012723, OMIM 611755.

Submission:

Juno Genomics, Hangzhou Juno Genomics, Inc
Classification: Likely pathogenic for Bardet-Biedl syndrome 14; Joubert syndrome 5; Leber congenital amaurosis 10; Meckel syndrome, type 4; Senior-Loken syndrome 6. Review status: criteria provided, single submitter. Criteria: ACMG Guidelines, 2015. Collection method: clinical testing. Allele origin: germline.
Comment: Null variant in a gene where loss of function (LOF) is a known mechanism of disease.;Absent from controls (or at extremely low frequency if recessive) in Genome Aggregation Database.